The following is an entry in ClinVar:

ClinVar aggregate classification (germline): Benign/Likely benign. Review status: criteria provided, multiple submitters, no conflicts (2 of 4 stars). 3 submissions from 3 submitters: Benign (1); Likely benign (2). Last evaluated 2026-08-10.

Conditions:
Chuvash polycythemia. Also called: POLYCYTHEMIA, VHL-DEPENDENT. Identifiers: Orphanet 238557, MedGen C1837915, MONDO:0009892, OMIM 263400.
Von Hippel-Lindau syndrome (VHLS). Also called: von Hippel–Lindau syndrome; VHL syndrome; Von Hippel-Lindau. Identifiers: Orphanet 892, MedGen C0019562, MONDO:0008667, OMIM 193300. Disease mechanism: loss of function.
Hereditary cancer-predisposing syndrome. Also called: Neoplastic Syndromes, Hereditary; Tumor predisposition; Hereditary Cancer Syndrome; Hereditary neoplastic syndrome. Identifiers: Orphanet 140162, MedGen C0027672, MeSH D009386, MONDO:0015356.

Allele frequency attached by ClinVar (database versions not stated): gnomAD exomes below 0.00001.
gnomAD v4.1: 1 of 1,594,742 alleles (0.000063%); highest among the groups gnomAD compares: Non-Finnish European, 0.000085%; no homozygotes.

Submissions (3):

Ambry Genetics
Classification: Likely benign for Hereditary cancer-predisposing syndrome. Last evaluated: 2026-08-10. Review status: criteria provided, single submitter. Criteria: Ambry Variant Classification Scheme 2023. Collection method: clinical testing. Allele origin: germline.

Myriad Genetics, Inc.
Classification: Benign for Von Hippel-Lindau syndrome. Last evaluated: 2025-06-10. Review status: criteria provided, single submitter. Criteria: Myriad Autosomal Dominant, Autosomal Recessive and X-Linked Classification Criteria (2023). Collection method: clinical testing. Allele origin: unknown.
Comment: This variant is considered benign. This variant is a silent/synonymous amino acid change and it is not expected to impact splicing.

Labcorp Genetics (formerly Invitae), Labcorp
Classification: Likely benign for Von Hippel-Lindau syndrome; Chuvash polycythemia. Last evaluated: 2024-04-29. Review status: criteria provided, single submitter. Criteria: Invitae Variant Classification Sherloc (09022015). Collection method: clinical testing. Allele origin: germline.

NM_000551.4(VHL):c.177G>A (p.Pro59=)

Gene: VHL (von Hippel-Lindau tumor suppressor; plus strand). Cytogenetic location: 3p25.3.
Variant type: single nucleotide variant.
Coding change: c.177G>A on transcript NM_000551.4 (MANE Select); coding-DNA position 177, G replaced by A.
Protein change: p.Pro59=; no amino-acid change (proline 59 retained).
Molecular consequence: synonymous variant.
Genome position (GRCh38, 1-based): chr3:10,142,024, G>A. VCF-style: chr3-10142024-G-A. GRCh37 (hg19) VCF-style: chr3-10183708-G-A.
Other names: c.177G>A, p.Pro59= (NM_001354723.2, NM_198156.3); c.177G>A (NM_000551.3).
Identifiers: ClinVar variation 1081013 (VCV001081013.11), dbSNP rs2125124920, ClinGen allele CA432536377.